The following is an entry in ClinVar:

NM_177438.3(DICER1):c.3650A>G (p.Tyr1217Cys)

Gene: DICER1 (dicer 1, ribonuclease III; minus strand). Cytogenetic location: 14q32.13.
Variant type: single nucleotide variant.
Coding change: c.3650A>G on transcript NM_177438.3 (MANE Select); coding-DNA position 3650, A replaced by G.
Protein change: p.Tyr1217Cys; replaces tyrosine 1217 with cysteine.
Molecular consequence: missense variant.
Genome position (GRCh38, 1-based): chr14:95,103,746, T>C on the plus strand (A>G on the coding strand, the complement: DICER1 is on the minus strand). VCF-style: chr14-95103746-T-C. GRCh37 (hg19) VCF-style: chr14-95570083-T-C.
Other names: c.3650A>G, p.Tyr1217Cys (NM_001195573.1, NM_001271282.3, NM_001291628.2 and 1 more transcripts); short protein forms Y1217C.
Identifiers: ClinVar variation 861406 (VCV000861406.8), dbSNP rs1891127602, ClinGen allele CA390874534.

ClinVar aggregate classification (germline): Uncertain significance (1 of 4 stars; one submission).

Conditions:
DICER1-related tumor predisposition. Also called: DICER1 syndrome; DICER1-related pleuropulmonary blastoma cancer predisposition syndrome. Identifiers: Orphanet 284343, MedGen C3839822, MONDO:0100216.

Submission:

Labcorp Genetics (formerly Invitae), Labcorp
Classification: Uncertain significance for DICER1-related tumor predisposition. Last evaluated: 2022-07-11. Review status: criteria provided, single submitter. Criteria: Invitae Variant Classification Sherloc (09022015). Collection method: clinical testing. Allele origin: germline.
Comment: In summary, the available evidence is currently insufficient to determine the role of this variant in disease. Therefore, it has been classified as a Variant of Uncertain Significance. Algorithms developed to predict the effect of missense changes on protein structure and function (SIFT, PolyPhen-2, Align-GVGD) all suggest that this variant is likely to be tolerated. ClinVar contains an entry for this variant (Variation ID: 861406). This variant has not been reported in the literature in individuals affected with DICER1-related conditions. This variant is not present in population databases (gnomAD no frequency). This sequence change replaces tyrosine, which is neutral and polar, with cysteine, which is neutral and slightly polar, at codon 1217 of the DICER1 protein (p.Tyr1217Cys).